The following is an entry in ClinVar:

NM_007294.4(BRCA1):c.3171T>C (p.Ser1057=)

Gene: BRCA1 (BRCA1 DNA repair associated; minus strand). Cytogenetic location: 17q21.31.
Variant type: single nucleotide variant.
Coding change: c.3171T>C on transcript NM_007294.4 (MANE Select); coding-DNA position 3171, T replaced by C.
Protein change: p.Ser1057=; no amino-acid change (serine 1057 retained).
Molecular consequence: synonymous variant. On other transcripts: intron variant (137).
Genome position (GRCh38, 1-based): chr17:43,092,360, A>G on the plus strand (T>C on the coding strand, the complement: BRCA1 is on the minus strand). VCF-style: chr17-43092360-A-G. GRCh37 (hg19) VCF-style: chr17-41244377-A-G.
Other names: c.3027T>C, p.Ser1009= (NM_001407741.1, NM_001407742.1, NM_001407743.1 and 20 more transcripts); c.3030T>C, p.Ser1010= (NM_001407750.1, NM_001407751.1, NM_001407752.1 and 29 more transcripts); c.2958T>C, p.Ser986= (NM_001407853.1, NM_001407894.1, NM_001407895.1 and 9 more transcripts); c.3171T>C, p.Ser1057= (NM_001407854.1, NM_001407858.1, NM_001407859.1 and 30 more transcripts); c.3168T>C, p.Ser1056= (NM_001407860.1, NM_001407861.1, NM_001407587.1 and 22 more transcripts); c.2970T>C, p.Ser990= (NM_001407862.1); c.3048T>C, p.Ser1016= (NM_001407863.1, NM_001407919.1, NM_001407937.1 and 19 more transcripts); c.2967T>C, p.Ser989= (NM_001407874.1, NM_001407875.1); and 41 more.
Identifiers: ClinVar variation 232990 (VCV000232990.21), dbSNP rs746394738, ClinGen allele CA058075.
Genomic context (GRCh38, chr17:43,092,360, plus strand): 5'-CCCTCTGTTTCTACCTAGTTCTGCTTGAATGTTTTCATCACTGGAACCTATTTCATTAAT[A>G]CTGGAGCCCACTTCATTAGTACTGGAACCTACTTCATTAATATTGCTTGAGCTGGCTTCT-3'
Protein context (NP_009225.1, residues 1047-1067): VGSSTNEVGS[Ser1057=]INEIGSSDEN

ClinVar aggregate classification (germline): Likely benign. Review status: reviewed by expert panel (3 of 4 stars). 7 submissions from 7 submitters: Likely benign (1). 6 of the submissions do not count toward it. Last evaluated 2017-06-29.

Conditions:
Hereditary cancer-predisposing syndrome. Also called: Tumor predisposition; Hereditary Cancer Syndrome; Neoplastic Syndromes, Hereditary; Hereditary neoplastic syndrome. Identifiers: Orphanet 140162, MedGen C0027672, MeSH D009386, MONDO:0015356.
Hereditary breast ovarian cancer syndrome. Also called: Breast and ovarian cancer; Hereditary breast and ovarian cancer; Hereditary breast and ovarian cancer syndrome; Hereditary breast and/or ovarian cancer syndrome; BRCA1- and BRCA2-Associated Hereditary Breast and Ovarian Cancer; Hereditary breast and ovarian cancer syndrome (HBOC). Identifiers: Orphanet 145, MedGen C0677776, MeSH D061325, MONDO:0003582. Disease mechanism: loss of function.
Breast-ovarian cancer, familial, susceptibility to, 1 (BROVCA1). Also called: BRCA1 Hereditary Breast and Ovarian Cancer; OVARIAN CANCER, SUSCEPTIBILITY TO. Identifiers: Orphanet 145, MedGen C2676676, MONDO:0011450, OMIM 604370. Disease mechanism: loss of function.

Allele frequency attached by ClinVar (database versions not stated): gnomAD exomes below 0.00001 and 0.00001; TOPMed below 0.00001; ExAC 0.00001; gnomAD 0.00001.
gnomAD v4.1: 5 of 1,613,790 alleles (0.00031%); highest among the groups gnomAD compares: Non-Finnish European, 0.00042%; no homozygotes.

Submissions (7):

Evidence-based Network for the Interpretation of Germline Mutant Alleles (ENIGMA)
Classification: Likely benign for Breast-ovarian cancer, familial, susceptibility to, 1. Last evaluated: 2017-06-29. Review status: reviewed by expert panel. Criteria: ENIGMA BRCA1/2 Classification Criteria (2017-06-29). Collection method: curation. Allele origin: germline.
Comment: Synonymous substitution variant, with low bioinformatic likelihood to result in a splicing aberration (Splicing prior probability 0.02).

Labcorp Genetics (formerly Invitae), Labcorp
Classification: Likely benign for Hereditary breast ovarian cancer syndrome. Last evaluated: 2025-01-19. Review status: criteria provided, single submitter. Criteria: Invitae Variant Classification Sherloc (09022015). Collection method: clinical testing. Allele origin: germline. Not counted in ClinVar's aggregate classification.

Quest Diagnostics Nichols Institute San Juan Capistrano
Classification: Likely benign. Last evaluated: 2023-05-10. Review status: criteria provided, single submitter. Criteria: Quest Diagnostics criteria. Collection method: clinical testing. Allele origin: unknown. Not counted in ClinVar's aggregate classification.

All of Us Research Program, National Institutes of Health
Classification: Likely benign for Breast-ovarian cancer, familial, susceptibility to, 1. Last evaluated: 2023-04-03. Review status: criteria provided, single submitter. Criteria: ACMG Guidelines, 2015. Collection method: clinical testing. Allele origin: germline. Inheritance: Autosomal dominant inheritance. Observed: 1 variant allele, 1 heterozygote. Not counted in ClinVar's aggregate classification.
Comment: This study involves interpretation of variants in research participants for the purpose of population health screening. Participant phenotype was not available at the time of variant classification. Additional details can be found in publication PMID: 35346344, PMCID: PMC8962531

GeneDx
Classification: Likely benign. Last evaluated: 2016-10-31. Review status: criteria provided, single submitter. Criteria: GeneDx Variant Classification (06012015). Collection method: clinical testing. Allele origin: germline. Affected: yes. Not counted in ClinVar's aggregate classification.
Comment: This variant is considered likely benign or benign based on one or more of the following criteria: it is a conservative change, it occurs at a poorly conserved position in the protein, it is predicted to be benign by multiple in silico algorithms, and/or has population frequency not consistent with disease.

Color Diagnostics, LLC DBA Color Health
Classification: Likely benign for Hereditary cancer-predisposing syndrome. Last evaluated: 2016-08-08. Review status: criteria provided, single submitter. Criteria: ACMG Guidelines, 2015. Collection method: clinical testing. Allele origin: germline. Not counted in ClinVar's aggregate classification.

Ambry Genetics
Classification: Likely benign for Hereditary cancer-predisposing syndrome. Last evaluated: 2015-07-17. Review status: criteria provided, single submitter. Criteria: Ambry Variant Classification Scheme 2023. Collection method: clinical testing. Allele origin: germline. Not counted in ClinVar's aggregate classification.